The following is an entry in ClinVar:

NM_003590.5(CUL3):c.883+13G>C

Gene: CUL3 (cullin 3; minus strand). Cytogenetic location: 2q36.2.
Variant type: single nucleotide variant.
Coding change: c.883+13G>C on transcript NM_003590.5 (MANE Select); 13 bases into the intron after coding-DNA position 883, G replaced by C.
Molecular consequence: intron variant.
Genome position (GRCh38, 1-based): chr2:224,511,341, C>G on the plus strand (G>C on the coding strand, the complement: CUL3 is on the minus strand). VCF-style: chr2-224511341-C-G. GRCh37 (hg19) VCF-style: chr2-225376058-C-G.
Other names: c.685+13G>C (NM_001257197.2); c.901+13G>C (NM_001257198.2).
Identifiers: ClinVar variation 334631 (VCV000334631.11), dbSNP rs147823056, ClinGen allele CA2140102.

ClinVar aggregate classification (germline): Benign/Likely benign. Review status: criteria provided, multiple submitters, no conflicts (2 of 4 stars). 3 submissions from 3 submitters: Benign (2); Likely benign (1). Last evaluated 2026-01-28.

Conditions:
Pseudohypoaldosteronism type 2E (PHA2E). Also called: Pseudohypoaldosteronism Type IIE. Identifiers: Orphanet 300530, Orphanet 757, MedGen C3469606, MONDO:0013782, OMIM 614496.
Neurodevelopmental disorder with or without autism or seizures (NEDAUS). Identifiers: MedGen C5543225, MONDO:0030994, OMIM 619239.

Allele frequency attached by ClinVar (database versions not stated): 1000 Genomes Project 30x 0.00047; 1000 Genomes Project 0.00060; gnomAD 0.00061; ESP Exome Variant Server 0.00085; TOPMed 0.00087.
gnomAD v4.1: 1,745 of 1,534,746 alleles (0.11%); highest among the groups gnomAD compares: Non-Finnish European, 0.14%; no homozygotes.

Submissions (3):

Labcorp Genetics (formerly Invitae), Labcorp
Classification: Benign. Last evaluated: 2026-01-28. Review status: criteria provided, single submitter. Criteria: Invitae Variant Classification Sherloc (09022015). Collection method: clinical testing. Allele origin: germline.

Fulgent Genetics
Classification: Likely benign for Pseudohypoaldosteronism type 2E; Neurodevelopmental disorder with or without autism or seizures. Last evaluated: 2021-08-19. Review status: criteria provided, single submitter. Criteria: ACMG Guidelines, 2015. Collection method: clinical testing. Allele origin: unknown.

Illumina Laboratory Services, Illumina
Classification: Benign for Pseudohypoaldosteronism type 2E. Last evaluated: 2018-01-13. Review status: criteria provided, single submitter. Criteria: ICSL Variant Classification Criteria 13 December 2019. Collection method: clinical testing. Allele origin: germline.
Comment: This variant was observed in the ICSL laboratory as part of a predisposition screen in an ostensibly healthy population. It had not been previously curated by ICSL or reported in the Human Gene Mutation Database (HGMD: prior to June 1st, 2018), and was therefore a candidate for classification through an automated scoring system. Utilizing variant allele frequency, disease prevalence and penetrance estimates, and inheritance mode, an automated score was calculated to assess if this variant is too frequent to cause the disease. Based on the score and internal cut-off values, a variant classified as benign is not then subjected to further curation. The score for this variant resulted in a classification of benign for this disease.